The following is an entry in ClinVar:

NM_198252.3(GSN):c.356G>A (p.Gly119Glu)

Gene: GSN (gelsolin; plus strand). Cytogenetic location: 9q33.2.
Variant type: single nucleotide variant.
Coding change: c.356G>A on transcript NM_198252.3 (MANE Select); coding-DNA position 356, G replaced by A.
Protein change: p.Gly119Glu; replaces glycine 119 with glutamic acid.
Molecular consequence: missense variant. On other transcripts: 5 prime UTR variant (1).
Genome position (GRCh38, 1-based): chr9:121,310,688, G>A. VCF-style: chr9-121310688-G-A. GRCh37 (hg19) VCF-style: chr9-124072966-G-A.
Other names: c.509G>A, p.Gly170Glu (NM_000177.5); c.356G>A, p.Gly119Glu (NM_001127662.2, NM_001127664.2, NM_001127665.2 and 10 more transcripts); c.464G>A, p.Gly155Glu (NM_001127663.2); c.389G>A, p.Gly130Glu (NM_001127666.2, NM_001127667.2, NM_001353063.2 and 13 more transcripts); c.407G>A, p.Gly136Glu (NM_001258029.2); c.380G>A, p.Gly127Glu (NM_001258030.2); c.428G>A, p.Gly143Glu (NM_001353076.2); c.-299G>A (NM_001353078.2); short protein forms G155E, G170E, G136E, G119E, G127E, G143E, G130E.
Identifiers: ClinVar variation 1745321 (VCV001745321.2), dbSNP rs2540747554, ClinGen allele CA374738624.

ClinVar aggregate classification (germline): Uncertain significance (1 of 4 stars; one submission).

Conditions:
Inborn genetic diseases. Identifiers: MedGen C0950123, MeSH D030342.

Submission:

Ambry Genetics
Classification: Uncertain significance for Inborn genetic diseases. Last evaluated: 2020-12-11. Review status: criteria provided, single submitter. Criteria: Ambry Variant Classification Scheme 2023. Collection method: clinical testing. Allele origin: germline.
Comment: The p.G170E variant (also known as c.509G>A), located in coding exon 4 of the GSN gene, results from a G to A substitution at nucleotide position 509. The glycine at codon 170 is replaced by glutamic acid, an amino acid with similar properties. This amino acid position is highly conserved in available vertebrate species. In addition, this alteration is predicted to be deleterious by in silico analysis. Since supporting evidence is limited at this time, the clinical significance of this alteration remains unclear.